The following is an entry in ClinVar:

ClinVar aggregate classification (germline): Benign (1 of 4 stars; one submission).

Allele frequency attached by ClinVar (database versions not stated): 1000 Genomes Project 0.12181; 1000 Genomes Project 30x 0.12352; TOPMed 0.15036.
gnomAD v4.1: 200,853 of 1,220,046 alleles (16%); highest among the groups gnomAD compares: Middle Eastern, 19%; 17,912 homozygotes.

Submission:

GeneDx
Classification: Benign. Last evaluated: 2018-06-14. Review status: criteria provided, single submitter. Criteria: GeneDx Variant Classification (06012015). Collection method: clinical testing. Allele origin: germline. Affected: yes.
Comment: This variant is considered likely benign or benign based on one or more of the following criteria: it is a conservative change, it occurs at a poorly conserved position in the protein, it is predicted to be benign by multiple in silico algorithms, and/or has population frequency not consistent with disease.

NM_001851.6(COL9A1):c.1396-88T>C

Gene: COL9A1 (collagen type IX alpha 1 chain; minus strand). Cytogenetic location: 6q13.
Variant type: single nucleotide variant.
Coding change: c.1396-88T>C on transcript NM_001851.6 (MANE Select); 88 bases into the intron before coding-DNA position 1396, T replaced by C.
Molecular consequence: intron variant.
Genome position (GRCh38, 1-based): chr6:70,260,798, A>G on the plus strand (T>C on the coding strand, the complement: COL9A1 is on the minus strand). VCF-style: chr6-70260798-A-G. GRCh37 (hg19) VCF-style: chr6-70970501-A-G.
Other names: c.667-88T>C (NM_001377290.1, NM_078485.4, NM_001377289.1).
Identifiers: ClinVar variation 677940 (VCV000677940.1), dbSNP rs12210870, ClinGen allele CA15434399.